The following is an entry in ClinVar:

ClinVar aggregate classification (germline): Pathogenic/Likely pathogenic. Review status: criteria provided, multiple submitters, no conflicts (2 of 4 stars). 12 submissions from 12 submitters: Pathogenic (1); Likely pathogenic (9). 2 of the submissions do not count toward it. Last evaluated 2026-03-31.

Conditions:
Hereditary cancer-predisposing syndrome. Also called: Neoplastic Syndromes, Hereditary; Hereditary Cancer Syndrome; Tumor predisposition; Hereditary neoplastic syndrome. Identifiers: Orphanet 140162, MedGen C0027672, MeSH D009386, MONDO:0015356.
Familial cancer of breast. Also called: BREAST CANCER, FAMILIAL; hereditary breast carcinoma; Hereditary breast cancer. Identifiers: Orphanet 227535, MedGen C0346153, MONDO:0016419, OMIM 114480. Disease mechanism: loss of function.
Ataxia-telangiectasia syndrome (AT). Also called: Ataxia-telangiectasia, complementation group D; AT, COMPLEMENTATION GROUP C; Ataxia-telangiectasia; ATAXIA-TELANGIECTASIA, COMPLEMENTATION GROUP A; ATAXIA-TELANGIECTASIA, FRESNO VARIANT; Ataxia-telangiectasia, complementation group E. Identifiers: Orphanet 100, MedGen C0004135, MONDO:0008840, OMIM 208900.

Submissions (12):

Myriad Genetics, Inc.
Classification: Likely pathogenic for Familial cancer of breast. Last evaluated: 2026-03-31. Review status: criteria provided, single submitter. Criteria: Myriad Autosomal Dominant, Autosomal Recessive and X-Linked Classification Criteria (2023). Collection method: clinical testing. Allele origin: unknown.
Comment: This variant is considered likely pathogenic. This variant has been reported in an individual with clinical features of gene-specific disease [PMID: 26677768]. Functional studies indicate this variant impacts protein function [PMID: 18573109, 19431188, 26677768].

Labcorp Genetics (formerly Invitae), Labcorp
Classification: Pathogenic for Ataxia-telangiectasia syndrome. Last evaluated: 2026-01-22. Review status: criteria provided, single submitter. Criteria: Invitae Variant Classification Sherloc (09022015). Collection method: clinical testing. Allele origin: germline.
Comment: This sequence change replaces serine, which is neutral and polar, with leucine, which is neutral and non-polar, at codon 2394 of the ATM protein (p.Ser2394Leu). This variant is not present in population databases (gnomAD no frequency). This missense change has been observed in individual(s) with ataxia-telangiectasia (PMID: 26677768, 37438524). In at least one individual the data is consistent with being in trans (on the opposite chromosome) from a pathogenic variant. ClinVar contains an entry for this variant (Variation ID: 127437). Invitae Evidence Modeling of protein sequence and biophysical properties (such as structural, functional, and spatial information, amino acid conservation, physicochemical variation, residue mobility, and thermodynamic stability) has been performed for this missense variant. However, the output from this modeling did not meet the statistical confidence thresholds required to predict the impact of this variant on ATM protein function. Experimental studies have shown that this missense change affects ATM function (PMID: 18573109, 19431188, 26677768). For these reasons, this variant has been classified as Pathogenic.

Ambry Genetics
Classification: Likely pathogenic for Hereditary cancer-predisposing syndrome. Last evaluated: 2025-11-05. Review status: criteria provided, single submitter. Criteria: Ambry Variant Classification Scheme 2023. Collection method: clinical testing. Allele origin: germline.
Comment: The p.S2394L variant (also known as c.7181C>T), located in coding exon 48 of the ATM gene, results from a C to T substitution at nucleotide position 7181. The serine at codon 2394 is replaced by leucine, an amino acid with dissimilar properties. This alteration was detected in trans with a truncating mutation in a patient with ataxia telangiectasia (Lin L et al. Stem Cell Reports. 2015 Dec; 5(6):1097-108). This alteration was identified with a truncating mutation in another individual with ataxia telangiectasia; however, phase was not documented (Kim J et al. Nature, 2023 Jul;619:828-836). In vitro analysis indicate this variant has absent ATM kinase activity (Barone G et al. Hum. Mutat. 2009 Aug; 30(8):1222-30; Austen B et al. Br. J. Haematol. 2008 Sep; 142(6):925-33). This alteration has also been detected in 1/5589 German BRCA1/2-negative probands with breast cancer (Hauke J et al. Cancer Med 2018 04;7(4):1349-1358). This amino acid position is highly conserved in available vertebrate species. In addition, this alteration is predicted to be deleterious by in silico analysis. This variant is considered to be rare based on population cohorts in the Genome Aggregation Database (gnomAD). Based on the majority of available evidence to date, this variant is likely to be pathogenic.

Color Diagnostics, LLC DBA Color Health
Classification: Likely pathogenic for Hereditary cancer-predisposing syndrome. Last evaluated: 2025-02-03. Review status: criteria provided, single submitter. Criteria: ACMG Guidelines, 2015. Collection method: clinical testing. Allele origin: germline.
Comment: This missense variant replaces serine with leucine at codon 2394 of the ATM protein. Computational prediction suggests that this variant may have deleterious impact on protein structure and function. Functional studies have shown that this variant protein displays no detectable kinase activity in response to ionizing radiation (PMID: 18573109, 19431188). This variant has been reported in trans with a pathogenic ATM truncating variant in an individual affected with ataxia-telangiectasia (PMID: 26677768, 37438524). Cells derived from this individual expressed full-length ATM protein, but showed reduced X-irradiation (XR)-induced phosphorylation of CHEK2 and XR-induced gamma H2A.X nuclear puncta, suggesting little or no ATM kinase activity (PMID: 26677768). This variant has not been identified in the general population by the Genome Aggregation Database (gnomAD). Based on the available evidence, this variant is classified as Likely Pathogenic.

Women's Health and Genetics/Laboratory Corporation of America, LabCorp
Classification: Likely pathogenic for Ataxia-telangiectasia syndrome. Last evaluated: 2024-03-22. Review status: criteria provided, single submitter. Criteria: LabCorp Variant Classification Summary - May 2015. Collection method: clinical testing. Allele origin: germline.
Comment: Variant summary: ATM c.7181C>T (p.Ser2394Leu) results in a non-conservative amino acid change located in the PIK-related kinase (IPR014009) of the encoded protein sequence. Five of five in-silico tools predict a damaging effect of the variant on protein function. The variant was absent in 251332 control chromosomes. c.7181C>T has been reported in the literature as a compound heterozygous genotype in at-least one individual affected with Ataxia-Telangiectasia (example, Lin_2015) and in settings of multigene panel testing for cancers (example, Susswein_2016). At least one publication reports experimental evidence evaluating an impact on protein function. The most pronounced variant effect results in complete loss of ATM-kinase activity (Austen_2008). The following publications have been ascertained in the context of this evaluation (PMID: 18573109, 19431188, 31843900, 34848827, 26677768, 26681312, 33119476). ClinVar contains an entry for this variant (Variation ID: 127437). Based on the evidence outlined above, the variant was classified as likely pathogenic.

GeneDx
Classification: Likely pathogenic. Last evaluated: 2024-02-28. Review status: criteria provided, single submitter. Criteria: GeneDx Variant Classification Process June 2021. Collection method: clinical testing. Allele origin: germline. Affected: yes.
Comment: Observed with a pathogenic variant on the opposite allele (in trans) in a patient with atypical ataxia telangiectasia (PMID: 26677768); Not observed at significant frequency in large population cohorts (gnomAD); In silico analysis supports that this missense variant has a deleterious effect on protein structure/function; This variant is associated with the following publications: (PMID: 19431188, 26681312, 32647791, 18573109, no PMID, 26677768, 23532176)

Baylor Genetics
Classification: Likely pathogenic for Familial cancer of breast. Last evaluated: 2024-02-02. Review status: criteria provided, single submitter. Criteria: ACMG Guidelines, 2015. Collection method: clinical testing. Allele origin: unknown.

Fulgent Genetics
Classification: Likely pathogenic for Familial cancer of breast; Ataxia-telangiectasia syndrome. Last evaluated: 2022-04-10. Review status: criteria provided, single submitter. Criteria: ACMG Guidelines, 2015. Collection method: clinical testing. Allele origin: unknown.

Sema4
Classification: Likely pathogenic for Hereditary cancer-predisposing syndrome. Last evaluated: 2020-12-18. Review status: criteria provided, single submitter. Criteria: Sema4 Curation Guidelines. Collection method: curation. Allele origin: germline.
Comment: The ATM c.7181C>T (p.S2394L) variant has been reported as compound heterozygous in at least one individual with ataxia telangiectasia (PMID: 26677768, 19431188). Additionally, this variant was also reported in a patient with multiple myeloma and in a cancer patient from a family severely affected with cancers of the breast, ovary, endometrium, or colon (PMID: 18573109, 31843900). Functional studies have shown that this variant alters the protein function (PMID: 18573109, 19431188). This variant is not reported in the Genome Aggregation Database (PMID: 27535533). Based on the current evidence available, this variant is interpreted as likely pathogenic.

Genetic Services Laboratory, University of Chicago
Classification: Likely pathogenic. Last evaluated: 2019-06-11. Review status: criteria provided, single submitter. Criteria: ACMG Guidelines, 2015. Collection method: clinical testing. Allele origin: germline. Affected: yes.
Comment: The second sequence change, c.7181C>T, in exon 49 results in an amino acid change, p.Ser2394Leu. The p.Ser2394Leu change affects a moderately conserved amino acid residue located in a domain of the ATM protein that is known to be functional. In-silico pathogenicity prediction tools (SIFT, PolyPhen2, Align GVGD, REVEL) provide contradictory results for the p.Ser2394Leu substitution. In vitro expression studies have shown that the resulting p.Ser2394Leu protein has absent ATM kinase activity (Barone et al., 2009 and Austen et al., 2008). This sequence change has not been described in the population databases (ExAC and gnomAD). These collective evidences indicate that this sequence change is likely pathogenic.

Natera, Inc.
Classification: Likely pathogenic for Ataxia-telangiectasia. Last evaluated: 2020-10-30. Review status: no assertion criteria provided. Collection method: clinical testing. Allele origin: germline. Not counted in ClinVar's aggregate classification.

King Laboratory, University of Washington
Classification: Benign. Last evaluated: 2019-09-01. Review status: no assertion criteria provided. Collection method: research. Allele origin: germline. Affected: yes. Not counted in ClinVar's aggregate classification.
Comment: Transcript analysis by cBROCA

Literature cited by the submitters: PubMed 26677768 (cited by 6 submitters); PubMed 18573109 (cited by 6 submitters); PubMed 19431188 (cited by 6 submitters); PubMed 37438524 (cited by 3 submitters); PubMed 26681312 (cited by Ambry Genetics and Women's Health and Genetics/Laboratory Corporation of America, LabCorp); PubMed 31843900 (cited by 3 submitters); PubMed 34848827 (cited by Women's Health and Genetics/Laboratory Corporation of America, LabCorp); PubMed 33119476 (cited by Women's Health and Genetics/Laboratory Corporation of America, LabCorp).

NM_000051.4(ATM):c.7181C>T (p.Ser2394Leu)

Genes: ATM (ATM serine/threonine kinase; plus strand), C11orf65 (chromosome 11 open reading frame 65; minus strand). Cytogenetic location: 11q22.3.
Variant type: single nucleotide variant.
Coding change: c.7181C>T on transcript NM_000051.4 (MANE Select); coding-DNA position 7181, C replaced by T.
Protein change: p.Ser2394Leu; replaces serine 2394 with leucine.
Molecular consequence: missense variant. On other transcripts: intron variant (2).
Genome position (GRCh38, 1-based): chr11:108,329,112, C>T. VCF-style: chr11-108329112-C-T. GRCh37 (hg19) VCF-style: chr11-108199839-C-T.
Other names: p.S2394L:TCA>TTA; c.7181C>T, p.Ser2394Leu (NM_001351834.2); c.641-20041G>A (NM_001330368.2); c.*38+6108G>A (NM_001351110.2); short protein forms S2394L.
Identifiers: ClinVar variation 127437 (VCV000127437.44), dbSNP rs587779861, ClinGen allele CA286966.